The following is an entry in ClinVar:

NM_000270.3(PNP):c.*1233T>C

Gene: PNP (purine nucleoside phosphorylase; plus strand). Cytogenetic location: 14q11.2.
Variant type: single nucleotide variant.
Coding change: c.*1233T>C on transcript NM_000270.3; 1233 bases downstream of the stop codon, T replaced by C.
Genome position (GRCh38, 1-based): chr14:20,477,834, T>C. VCF-style: chr14-20477834-T-C. GRCh37 (hg19) VCF-style: chr14-20945993-T-C.
Identifiers: ClinVar variation 312754 (VCV000312754.7), dbSNP rs1079376, ClinGen allele CA10639886.

ClinVar aggregate classification (germline): Benign (1 of 4 stars; one submission).

Conditions:
Purine-nucleoside phosphorylase deficiency. Also called: Immunodeficiency due to purine nucleoside phosphorylase deficiency; NUCLEOSIDE PHOSPHORYLASE DEFICIENCY. Identifiers: Orphanet 760, MedGen C0268125, MONDO:0013171, OMIM 613179.

Allele frequency attached by ClinVar (database versions not stated): TOPMed 0.14852; gnomAD 0.15388 and 0.15641; 1000 Genomes Project 30x 0.12992; 1000 Genomes Project 0.12839.

Submission:

Illumina Laboratory Services, Illumina
Classification: Benign for Purine-nucleoside phosphorylase deficiency. Last evaluated: 2018-01-13. Review status: criteria provided, single submitter. Criteria: ICSL Variant Classification Criteria 13 December 2019. Collection method: clinical testing. Allele origin: germline.
Comment: This variant was observed in the ICSL laboratory as part of a predisposition screen in an ostensibly healthy population. It had not been previously curated by ICSL or reported in the Human Gene Mutation Database (HGMD: prior to June 1st, 2018), and was therefore a candidate for classification through an automated scoring system. Utilizing variant allele frequency, disease prevalence and penetrance estimates, and inheritance mode, an automated score was calculated to assess if this variant is too frequent to cause the disease. Based on the score and internal cut-off values, a variant classified as benign is not then subjected to further curation. The score for this variant resulted in a classification of benign for this disease.